The following is an entry in ClinVar:

ClinVar aggregate classification (germline): Uncertain significance. Review status: criteria provided, multiple submitters, no conflicts (2 of 4 stars). 2 submissions from 2 submitters: Uncertain significance (2). Last evaluated 2026-01-14.

Conditions:
Charcot-Marie-Tooth disease axonal type 2U. Also called: CHARCOT-MARIE-TOOTH NEUROPATHY, TYPE 2U; CHARCOT-MARIE-TOOTH DISEASE, AXONAL, AUTOSOMAL DOMINANT, TYPE 2U. Identifiers: Orphanet 397735, MedGen C4084821, MONDO:0014566, OMIM 616280.
Severe early-onset pulmonary alveolar proteinosis due to MARS deficiency. Also called: Interstitial lung and liver disease; PULMONARY ALVEOLAR PROTEINOSIS, REUNION ISLAND. Identifiers: Orphanet 440427, MedGen C4225400, MONDO:0014206, OMIM 615486.
MARS1-related disorder. Also called: MARS1-related condition.

Allele frequency attached by ClinVar (database versions not stated): gnomAD 0.00003; gnomAD exomes 0.00003; TOPMed 0.00003; ExAC 0.00004.
gnomAD v4.1: 49 of 1,613,876 alleles (0.003%); highest among the groups gnomAD compares: East Asian, 0.013%; no homozygotes.

Submissions (2):

Labcorp Genetics (formerly Invitae), Labcorp
Classification: Uncertain significance for Charcot-Marie-Tooth disease axonal type 2U; Severe early-onset pulmonary alveolar proteinosis due to MARS deficiency. Last evaluated: 2026-01-14. Review status: criteria provided, single submitter. Criteria: Invitae Variant Classification Sherloc (09022015). Collection method: clinical testing. Allele origin: germline.
Comment: This sequence change replaces arginine, which is basic and polar, with tryptophan, which is neutral and slightly polar, at codon 251 of the MARS protein (p.Arg251Trp). This variant is present in population databases (rs765580781, gnomAD 0.02%). This variant has not been reported in the literature in individuals affected with MARS-related conditions. ClinVar contains an entry for this variant (Variation ID: 1009808). An algorithm developed to predict the effect of missense changes on protein structure and function (PolyPhen-2) suggests that this variant is likely to be tolerated. In summary, the available evidence is currently insufficient to determine the role of this variant in disease. Therefore, it has been classified as a Variant of Uncertain Significance.

PreventionGenetics, part of Exact Sciences
Classification: Uncertain significance for MARS1-related condition. Last evaluated: 2025-11-24. Review status: criteria provided, single submitter. Criteria: ACMG Guidelines, 2015. Collection method: clinical testing. Allele origin: germline.
Comment: The MARS1 c.751C>T variant is predicted to result in the amino acid substitution p.Arg251Trp. To our knowledge, this variant has not been reported in the literature. This variant is reported in 0.020% of alleles in individuals of East Asian descent in gnomAD. At this time, the clinical significance of this variant is uncertain due to the absence of conclusive functional and genetic evidence.

NM_004990.4(MARS1):c.751C>T (p.Arg251Trp)

Gene: MARS1 (methionyl-tRNA synthetase 1; plus strand). Cytogenetic location: 12q13.3.
Variant type: single nucleotide variant.
Coding change: c.751C>T on transcript NM_004990.4 (MANE Select); coding-DNA position 751, C replaced by T.
Protein change: p.Arg251Trp; replaces arginine 251 with tryptophan.
Molecular consequence: missense variant.
Genome position (GRCh38, 1-based): chr12:57,490,625, C>T. VCF-style: chr12-57490625-C-T. GRCh37 (hg19) VCF-style: chr12-57884408-C-T.
Other names: c.751C>T (NM_004990.3); short protein forms R251W.
Identifiers: ClinVar variation 1009808 (VCV001009808.7), dbSNP rs765580781, ClinGen allele CA6650273.